The following is an entry in ClinVar:

ClinVar aggregate classification (germline): Uncertain significance (1 of 4 stars; one submission).

Allele frequency attached by ClinVar (database versions not stated): gnomAD exomes below 0.00001 and 0.00001; ExAC 0.00001; gnomAD 0.00001; TOPMed 0.00002; ESP Exome Variant Server 0.00008.

Submission:

Labcorp Genetics (formerly Invitae), Labcorp
Classification: Uncertain significance. Last evaluated: 2022-07-19. Review status: criteria provided, single submitter. Criteria: Invitae Variant Classification Sherloc (09022015). Collection method: clinical testing. Allele origin: germline.
Comment: This sequence change replaces methionine, which is neutral and non-polar, with leucine, which is neutral and non-polar, at codon 106 of the RBP4 protein (p.Met106Leu). This variant is present in population databases (rs145044751, gnomAD 0.0009%). In summary, the available evidence is currently insufficient to determine the role of this variant in disease. Therefore, it has been classified as a Variant of Uncertain Significance. Algorithms developed to predict the effect of missense changes on protein structure and function are either unavailable or do not agree on the potential impact of this missense change (SIFT: "Deleterious"; PolyPhen-2: "Benign"; Align-GVGD: "Class C0"). ClinVar contains an entry for this variant (Variation ID: 1464998). This variant has not been reported in the literature in individuals affected with RBP4-related conditions.

NM_006744.4(RBP4):c.316A>T (p.Met106Leu)

Gene: RBP4 (retinol binding protein 4; minus strand). Cytogenetic location: 10q23.33.
Variant type: single nucleotide variant.
Coding change: c.316A>T on transcript NM_006744.4 (MANE Select); coding-DNA position 316, A replaced by T.
Protein change: p.Met106Leu; replaces methionine 106 with leucine.
Molecular consequence: missense variant.
Genome position (GRCh38, 1-based): chr10:93,600,432, T>A on the plus strand (A>T on the coding strand, the complement: RBP4 is on the minus strand). VCF-style: chr10-93600432-T-A. GRCh37 (hg19) VCF-style: chr10-95360189-T-A.
Other names: c.316A>T, p.Met106Leu (NM_001323517.1); c.310A>T, p.Met104Leu (NM_001323518.2); short protein forms M104L, M106L.
Identifiers: ClinVar variation 1464998 (VCV001464998.8), dbSNP rs145044751, ClinGen allele CA5609598.
Genomic context (GRCh38, chr10:93,600,432, plus strand): 5'-CCCACAGAGCTGACTACTCACTTCCTTTCTGGAGAAAGGAGGCTACGCCCCAGTACTTCA[T>A]CTTGAACTTGGCAGGGTCCTCGGTGTCTGTGAAGGTGCCCACCATGTCTGCGCACACGTC-3'
Protein context (NP_006735.2, residues 96-116): TDTEDPAKFK[Met106Leu]KYWGVASFLQ